The following is an entry in ClinVar:

NM_001429.4(EP300):c.5669C>G (p.Thr1890Ser)

Gene: EP300 (EP300 lysine acetyltransferase; plus strand). Cytogenetic location: 22q13.2.
Variant type: single nucleotide variant.
Coding change: c.5669C>G on transcript NM_001429.4 (MANE Select); coding-DNA position 5669, C replaced by G.
Protein change: p.Thr1890Ser; replaces threonine 1890 with serine.
Molecular consequence: missense variant.
Genome position (GRCh38, 1-based): chr22:41,177,380, C>G. VCF-style: chr22-41177380-C-G. GRCh37 (hg19) VCF-style: chr22-41573384-C-G.
Other names: c.5591C>G, p.Thr1864Ser (NM_001362843.2); short protein forms T1890S, T1864S.
Identifiers: ClinVar variation 134051 (VCV000134051.14), dbSNP rs146165770, ClinGen allele CA158512.

ClinVar aggregate classification (germline): Benign/Likely benign. Review status: criteria provided, multiple submitters, no conflicts (2 of 4 stars). 6 submissions from 6 submitters: Benign (1); Likely benign (3). 2 of the submissions do not count toward it. Last evaluated 2025-10-07.

Conditions:
EP300-related disorder. Also called: EP300-related disorders; EP300-related condition.
Rubinstein-Taybi syndrome due to EP300 haploinsufficiency. Also called: EP300-Related Rubinstein-Taybi Syndrome; RUBINSTEIN-TAYBI SYNDROME 2. Identifiers: Orphanet 353284, Orphanet 783, MedGen C3150941, MONDO:0013364, OMIM 613684.

Allele frequency attached by ClinVar (database versions not stated): 1000 Genomes Project 0.00060; 1000 Genomes Project 30x 0.00062; ESP Exome Variant Server 0.00062; TOPMed 0.00069.
gnomAD v4.1: 178 of 1,614,102 alleles (0.011%); highest among the groups gnomAD compares: African/African-American, 0.21%; no homozygotes.

Submissions (6):

Labcorp Genetics (formerly Invitae), Labcorp
Classification: Likely benign for Rubinstein-Taybi syndrome due to EP300 haploinsufficiency. Last evaluated: 2025-10-07. Review status: criteria provided, single submitter. Criteria: Invitae Variant Classification Sherloc (09022015). Collection method: clinical testing. Allele origin: germline.

Blueprint Genetics
Classification: Likely benign. Last evaluated: 2024-10-22. Review status: criteria provided, single submitter. Criteria: ACMG Guidelines, 2015. Collection method: clinical testing. Allele origin: germline.

GeneDx
Classification: Benign. Last evaluated: 2019-04-03. Review status: criteria provided, single submitter. Criteria: GeneDx Variant Classification Process June 2021. Collection method: clinical testing. Allele origin: germline. Affected: yes.

Breakthrough Genomics
Classification: Likely benign. Review status: criteria provided, single submitter. Criteria: ACMG Guidelines, 2015. Collection method: not provided. Allele origin: germline. Inheritance: Autosomal dominant inheritance. Affected: yes.

PreventionGenetics, part of Exact Sciences
Classification: Likely benign for EP300-related condition. Last evaluated: 2021-07-26. Review status: no assertion criteria provided. Collection method: clinical testing. Allele origin: germline. Not counted in ClinVar's aggregate classification.
Comment: This variant is classified as likely benign based on ACMG/AMP sequence variant interpretation guidelines (Richards et al. 2015 PMID: 25741868, with internal and published modifications).

ITMI
No classification provided. Condition: AllHighlyPenetrant. Last evaluated: 2013-09-19. Review status: no classification provided. Collection method: reference population. Allele origin: germline. Not counted in ClinVar's aggregate classification.
Comment: Please see associated publication for description of ethnicities

Literature cited by the submitters: PubMed 24728327 (cited by ITMI).